The following is an entry in ClinVar:

NM_031433.4(MFRP):c.496C>A (p.Pro166Thr)

Genes: C1QTNF5 (C1q and TNF related 5; minus strand), MFRP (membrane frizzled-related protein; minus strand). Cytogenetic location: 11q23.3.
Variant type: single nucleotide variant.
Coding change: c.496C>A on transcript NM_031433.4 (MANE Select); coding-DNA position 496, C replaced by A.
Protein change: p.Pro166Thr; replaces proline 166 with threonine.
Molecular consequence: missense variant. On other transcripts: 5 prime UTR variant (1).
Genome position (GRCh38, 1-based): chr11:119,345,565, G>T on the plus strand (C>A on the coding strand, the complement: MFRP is on the minus strand). VCF-style: chr11-119345565-G-T. GRCh37 (hg19) VCF-style: chr11-119216275-G-T.
Other names: c.-2141C>A (NM_015645.5); short protein forms P166T.
Identifiers: ClinVar variation 1041261 (VCV001041261.47), dbSNP rs145285193, ClinGen allele CA6320529.

ClinVar aggregate classification (germline): Uncertain significance (1 of 4 stars; one submission).

Conditions:
Isolated microphthalmia 5. Also called: Posterior Microphthalmia with Retinitis Pigmentosa, Foveoschisis, and Optic Disc Drusen. Identifiers: Orphanet 251279, MedGen C1970236, MONDO:0012605, OMIM 611040.

Allele frequency attached by ClinVar (database versions not stated): TOPMed 0.00002.
gnomAD v4.1: 5 of 1,613,936 alleles (0.00031%); highest among the groups gnomAD compares: African/African-American, 0.0027%; no homozygotes.

Submission:

Labcorp Genetics (formerly Invitae), Labcorp
Classification: Uncertain significance for Isolated microphthalmia 5. Last evaluated: 2022-02-04. Review status: criteria provided, single submitter. Criteria: Invitae Variant Classification Sherloc (09022015). Collection method: clinical testing. Allele origin: germline.
Comment: The frequency data for this variant in the population databases is considered unreliable, as metrics indicate poor data quality at this position in the gnomAD database. This variant has not been reported in the literature in individuals affected with MFRP-related conditions. ClinVar contains an entry for this variant (Variation ID: 1041261). Algorithms developed to predict the effect of missense changes on protein structure and function are either unavailable or do not agree on the potential impact of this missense change (SIFT: "Deleterious"; PolyPhen-2: "Benign"; Align-GVGD: "Class C0"). In summary, the available evidence is currently insufficient to determine the role of this variant in disease. Therefore, it has been classified as a Variant of Uncertain Significance. This sequence change replaces proline, which is neutral and non-polar, with threonine, which is neutral and polar, at codon 166 of the MFRP protein (p.Pro166Thr).